The following is an entry in ClinVar:

ClinVar aggregate classification (germline): Benign. Review status: criteria provided, multiple submitters, no conflicts (2 of 4 stars). 9 submissions from 9 submitters: Benign (5). 4 of the submissions do not count toward it. Last evaluated 2026-02-04.

Conditions:
Nemaline myopathy 2 (NEM2). Also called: Nemaline myopathy 2, autosomal recessive. Identifiers: MedGen C1850569, MONDO:0009725, OMIM 256030.

Allele frequency attached by ClinVar (database versions not stated): gnomAD 0.01111 and 0.01102; TOPMed 0.01269; 1000 Genomes Project 30x 0.02623; 1000 Genomes Project 0.02676; ExAC 0.00848; ESP Exome Variant Server 0.00856; gnomAD exomes 0.00277 and 0.00752.
gnomAD v4.1: 5,877 of 1,581,574 alleles (0.37%); highest among the groups gnomAD compares: East Asian, 5.5%; 116 homozygotes.

Submissions (9):

Labcorp Genetics (formerly Invitae), Labcorp
Classification: Benign for Nemaline myopathy 2. Last evaluated: 2026-02-04. Review status: criteria provided, single submitter. Criteria: Invitae Variant Classification Sherloc (09022015). Collection method: clinical testing. Allele origin: germline.

Mayo Clinic Laboratories, Mayo Clinic
Classification: Benign. Last evaluated: 2020-04-13. Review status: criteria provided, single submitter. Criteria: ACMG Guidelines, 2015. Collection method: clinical testing. Allele origin: germline. Observed: 7 variant alleles.

Illumina Laboratory Services, Illumina
Classification: Benign for Nemaline myopathy 2. Last evaluated: 2018-01-13. Review status: criteria provided, single submitter. Criteria: ICSL Variant Classification Criteria 13 December 2019. Collection method: clinical testing. Allele origin: germline.
Comment: This variant was observed in the ICSL laboratory as part of a predisposition screen in an ostensibly healthy population. It had not been previously curated by ICSL or reported in the Human Gene Mutation Database (HGMD: prior to June 1st, 2018), and was therefore a candidate for classification through an automated scoring system. Utilizing variant allele frequency, disease prevalence and penetrance estimates, and inheritance mode, an automated score was calculated to assess if this variant is too frequent to cause the disease. Based on the score and internal cut-off values, a variant classified as benign is not then subjected to further curation. The score for this variant resulted in a classification of benign for this disease.

GeneDx
Classification: Benign. Last evaluated: 2016-06-20. Review status: criteria provided, single submitter. Criteria: GeneDx Variant Classification (06012015). Collection method: clinical testing. Allele origin: germline. Affected: yes.
Comment: This variant is considered likely benign or benign based on one or more of the following criteria: it is a conservative change, it occurs at a poorly conserved position in the protein, it is predicted to be benign by multiple in silico algorithms, and/or has population frequency not consistent with disease.

PreventionGenetics, part of Exact Sciences
Classification: Benign. Review status: criteria provided, single submitter. Criteria: ACMG Guidelines, 2015. Collection method: clinical testing. Allele origin: germline.

Natera, Inc.
Classification: Benign for Nemaline myopathy type 2. Last evaluated: 2020-09-16. Review status: no assertion criteria provided. Collection method: clinical testing. Allele origin: germline. Not counted in ClinVar's aggregate classification.

Genetic Services Laboratory, University of Chicago
Classification: Likely benign for AllHighlyPenetrant. Review status: no assertion criteria provided. Collection method: clinical testing. Allele origin: germline. Inheritance: Autosomal recessive inheritance. Not counted in ClinVar's aggregate classification.
Comment: Likely benign based on allele frequency in 1000 Genomes Project or ESP global frequency and its presence in a patient with a rare or unrelated disease phenotype. NOT Sanger confirmed.

Genome Diagnostics Laboratory, University Medical Center Utrecht
Classification: Benign. Review status: no assertion criteria provided. Collection method: clinical testing. Allele origin: germline. Affected: yes. Study: VKGL Data-share Consensus. Not counted in ClinVar's aggregate classification.

Laboratory of Diagnostic Genome Analysis, Leiden University Medical Center (LUMC)
Classification: Likely benign. Review status: no assertion criteria provided. Collection method: clinical testing. Allele origin: germline. Affected: yes. Study: VKGL Data-share Consensus. Not counted in ClinVar's aggregate classification.

NM_001164508.2(NEB):c.6717T>G (p.Ile2239Met)

Gene: NEB (nebulin; minus strand). Cytogenetic location: 2q23.3.
Variant type: single nucleotide variant.
Coding change: c.6717T>G on transcript NM_001164508.2 (MANE Select); coding-DNA position 6717, T replaced by G.
Protein change: p.Ile2239Met; replaces isoleucine 2239 with methionine.
Molecular consequence: missense variant.
Genome position (GRCh38, 1-based): chr2:151,655,360, A>C on the plus strand (T>G on the coding strand, the complement: NEB is on the minus strand). VCF-style: chr2-151655360-A-C. GRCh37 (hg19) VCF-style: chr2-152511874-A-C.
Other names: p.Ile2239Met; c.6717T>G, p.Ile2239Met (NM_001164507.2, NM_001271208.2, NM_004543.5); short protein forms I2239M.
Identifiers: ClinVar variation 129755 (VCV000129755.25), dbSNP rs78733601, ClinGen allele CA154026.